The following is an entry in ClinVar:

ClinVar aggregate classification (germline): Uncertain significance. Review status: criteria provided, multiple submitters, no conflicts (2 of 4 stars). 2 submissions from 2 submitters: Uncertain significance (2). Last evaluated 2025-10-16.

Conditions:
Hereditary cancer-predisposing syndrome. Also called: Hereditary Cancer Syndrome; Neoplastic Syndromes, Hereditary; Tumor predisposition; Hereditary neoplastic syndrome. Identifiers: Orphanet 140162, MedGen C0027672, MeSH D009386, MONDO:0015356.

Allele frequency attached by ClinVar (database versions not stated): gnomAD exomes 0.00001.
gnomAD v4.1: 5 of 1,613,408 alleles (0.00031%); highest among the groups gnomAD compares: Non-Finnish European, 0.00042%; no homozygotes.

Submissions (2):

Ambry Genetics
Classification: Uncertain significance for Hereditary cancer-predisposing syndrome. Last evaluated: 2025-10-16. Review status: criteria provided, single submitter. Criteria: Ambry Variant Classification Scheme 2023. Collection method: clinical testing. Allele origin: germline.
Comment: The p.S179A variant (also known as c.535T>G), located in coding exon 4 of the BARD1 gene, results from a T to G substitution at nucleotide position 535. The serine at codon 179 is replaced by alanine, an amino acid with similar properties. This amino acid position is conserved. In addition, this alteration is predicted to be tolerated by in silico analysis. Based on the available evidence, the clinical significance of this variant remains unclear.

Color Diagnostics, LLC DBA Color Health
Classification: Uncertain significance for Hereditary cancer-predisposing syndrome. Last evaluated: 2024-03-06. Review status: criteria provided, single submitter. Criteria: ACMG Guidelines, 2015. Collection method: clinical testing. Allele origin: germline.
Comment: This missense variant replaces serine with alanine at codon 179 of the BARD1 protein. Computational prediction suggests that this variant may not impact protein structure and function (internally defined REVEL score threshold <= 0.5, PMID: 27666373). To our knowledge, functional studies have not been reported for this variant. This variant has not been reported in individuals affected with BARD1-related disorders in the literature. This variant has not been identified in the general population by the Genome Aggregation Database (gnomAD). The available evidence is insufficient to determine the role of this variant in disease conclusively. Therefore, this variant is classified as a Variant of Uncertain Significance.

NM_000465.4(BARD1):c.535T>G (p.Ser179Ala)

Gene: BARD1 (BRCA1 associated RING domain 1; minus strand). Cytogenetic location: 2q35.
Variant type: single nucleotide variant.
Coding change: c.535T>G on transcript NM_000465.4 (MANE Select); coding-DNA position 535, T replaced by G.
Protein change: p.Ser179Ala; replaces serine 179 with alanine.
Molecular consequence: missense variant. On other transcripts: non-coding transcript variant (2), intron variant (3).
Genome position (GRCh38, 1-based): chr2:214,781,339, A>C on the plus strand (T>G on the coding strand, the complement: BARD1 is on the minus strand). VCF-style: chr2-214781339-A-C. GRCh37 (hg19) VCF-style: chr2-215646063-A-C.
Other names: c.478T>G, p.Ser160Ala (NM_001282543.2); c.158+28073T>G (NM_001282548.2); c.215+15722T>G (NM_001282545.2); c.364+10958T>G (NM_001282549.2); c.535T>G (NM_000465.2); short protein forms S179A, S160A.
Identifiers: ClinVar variation 490969 (VCV000490969.7), dbSNP rs1553622635, ClinGen allele CA350457438.
Genomic context (GRCh38, chr2:214,781,339, plus strand): 5'-AAGCCTTTTTAGCCCTCTCAGAAACATCTGCAGGAGGACTTGGGGAAACAAATTCATATG[A>C]GTCTTGCTGAGCACTTGCATCTTTTTTTATTGCAGGCTGGGTTTGCACTGAAGCTTTACT-3'
Protein context (NP_000456.2, residues 169-189): IKKDASAQQD[Ser179Ala]YEFVSPSPPA